The following is an entry in ClinVar:

ClinVar aggregate classification (germline): Uncertain significance (1 of 4 stars; one submission).

Submission:

Mayo Clinic Laboratories, Mayo Clinic
Classification: Uncertain significance. Last evaluated: 2025-05-08. Review status: criteria provided, single submitter. Criteria: ACMG Guidelines, 2015. Collection method: clinical testing. Allele origin: germline. Observed: 1 variant allele.
Comment: BP4_moderate, PM2_supporting

NM_001367624.2(ZNF469):c.11338C>T (p.Leu3780Phe)

Gene: ZNF469 (zinc finger protein 469; plus strand). Cytogenetic location: 16q24.2.
Variant type: single nucleotide variant.
Coding change: c.11338C>T on transcript NM_001367624.2 (MANE Select); coding-DNA position 11338, C replaced by T.
Protein change: p.Leu3780Phe; replaces leucine 3780 with phenylalanine.
Molecular consequence: missense variant.
Genome position (GRCh38, 1-based): chr16:88,438,808, C>T. VCF-style: chr16-88438808-C-T. GRCh37 (hg19) VCF-style: chr16-88505216-C-T.
Other names: p.Leu3780Phe; short protein forms L3780F.
Identifiers: ClinVar variation 4542078 (VCV004542078.1).